The following is an entry in ClinVar:

NM_000127.3(EXT1):c.1154T>A (p.Leu385Ter)

Gene: EXT1 (exostosin glycosyltransferase 1; minus strand). Cytogenetic location: 8q24.11.
Variant type: single nucleotide variant.
Coding change: c.1154T>A on transcript NM_000127.3 (MANE Select); coding-DNA position 1154, T replaced by A.
Protein change: p.Leu385Ter; replaces leucine 385 with a stop codon.
Molecular consequence: nonsense.
Genome position (GRCh38, 1-based): chr8:117,835,454, A>T on the plus strand (T>A on the coding strand, the complement: EXT1 is on the minus strand). VCF-style: chr8-117835454-A-T. GRCh37 (hg19) VCF-style: chr8-118847693-A-T.
Other names: short protein forms L385*.
Identifiers: ClinVar variation 3362247 (VCV003362247.2).

ClinVar aggregate classification (germline): Pathogenic (1 of 4 stars; one submission).

Conditions:
Multiple congenital exostosis (EXT). Also called: MULTIPLE CARTILAGINOUS EXOSTOSES; Multiple osteochondromas; Hereditary multiple osteochondromas; Multiple exostoses; Hereditary multiple exostoses; Hereditary multiple exostosis. Identifiers: Orphanet 321, MedGen C0015306, MONDO:0005508, HP:0002762.

Submission:

Suzhou Clinical Center for Rare Diseases in Children, Children's Hospital of Soochow University
Classification: Pathogenic for Multiple congenital exostosis. Last evaluated: 2024-09-01. Review status: criteria provided, single submitter. Criteria: ACMG Guidelines, 2015. Collection method: clinical testing. Allele origin: maternal. Affected: yes.
Comment: The NM_000127.3:c.1154T>A (p.Leu385Ter) variant of EXT1 is a nonsense variant that results in a mutation from a corresponding codon to a stop codon, leading to a change in protein function (PVS1). The disease associated with the variant is consistent with the phenotype of this case (PP4). The gnomAD database does not include this variant's frequency in the population (PM2_Supporting). According to the ACMG guidelines, this variant is interpreted as pathogenic (PVS1+PP4+PM2_Supporting).